The following is an entry in ClinVar:

ClinVar aggregate classification (germline): Uncertain significance. Review status: criteria provided, multiple submitters, no conflicts (2 of 4 stars). 2 submissions from 2 submitters: Uncertain significance (2). Last evaluated 2023-04-10.

Conditions:
Multiple endocrine neoplasia, type 1 (MEN1). Also called: Endocrine adenomatosis multiple; MEN 1; MEN I; WERMER SYNDROME; MEA I. Identifiers: Orphanet 652, MedGen C0025267, MeSH D018761, MONDO:0007540, OMIM 131100.

Submissions (2):

All of Us Research Program, National Institutes of Health
Classification: Uncertain significance for Multiple endocrine neoplasia, type 1. Last evaluated: 2023-04-10. Review status: criteria provided, single submitter. Criteria: ACMG Guidelines, 2015. Collection method: clinical testing. Allele origin: germline. Inheritance: Autosomal dominant inheritance. Observed: 1 variant allele, 1 heterozygote.
Comment: This missense variant replaces lysine with glutamic acid at codon 362 of the MEN1 protein. Computational prediction suggests that this variant may have deleterious impact on protein structure and function (internally defined REVEL score threshold >= 0.7, PMID: 27666373). To our knowledge, functional studies have not been reported for this variant. This variant has not been reported in individuals affected with MEN1-related disorders in the literature. This variant has not been identified in the general population by the Genome Aggregation Database (gnomAD). The available evidence is insufficient to determine the role of this variant in disease conclusively. Therefore, this variant is classified as a Variant of Uncertain Significance.

This study involves interpretation of variants in research participants for the purpose of population health screening. Participant phenotype was not available at the time of variant classification. Additional details can be found in publication PMID: 35346344, PMCID: PMC8962531

Labcorp Genetics (formerly Invitae), Labcorp
Classification: Uncertain significance for Multiple endocrine neoplasia, type 1. Last evaluated: 2020-03-22. Review status: criteria provided, single submitter. Criteria: Invitae Variant Classification Sherloc (09022015). Collection method: clinical testing. Allele origin: germline.
Comment: In summary, the available evidence is currently insufficient to determine the role of this variant in disease. Therefore, it has been classified as a Variant of Uncertain Significance. Algorithms developed to predict the effect of missense changes on protein structure and function are either unavailable or do not agree on the potential impact of this missense change (SIFT: "Deleterious"; PolyPhen-2: "Probably Damaging"; Align-GVGD: "Class C0"). This variant has not been reported in the literature in individuals with MEN1-related conditions. This variant is not present in population databases (ExAC no frequency). This sequence change replaces lysine with glutamic acid at codon 362 of the MEN1 protein (p.Lys362Glu). The lysine residue is highly conserved and there is a small physicochemical difference between lysine and glutamic acid.

NM_001370259.2(MEN1):c.1084A>G (p.Lys362Glu)

Gene: MEN1 (menin 1; minus strand). Cytogenetic location: 11q13.1.
Variant type: single nucleotide variant.
Coding change: c.1084A>G on transcript NM_001370259.2 (MANE Select); coding-DNA position 1084, A replaced by G.
Protein change: p.Lys362Glu; replaces lysine 362 with glutamic acid.
Molecular consequence: missense variant.
Genome position (GRCh38, 1-based): chr11:64,805,736, T>C on the plus strand (A>G on the coding strand, the complement: MEN1 is on the minus strand). VCF-style: chr11-64805736-T-C. GRCh37 (hg19) VCF-style: chr11-64573208-T-C.
Other names: c.1099A>G, p.Lys367Glu (NM_000244.4, NM_130800.3, NM_130801.3 and 3 more transcripts); c.1210A>G, p.Lys404Glu (NM_001370251.2); c.1084A>G, p.Lys362Glu (NM_001370260.2, NM_001370261.2, NM_130799.3); c.979A>G, p.Lys327Glu (NM_001370262.2, NM_001370263.2); short protein forms K327E, K362E, K367E, K404E.
Identifiers: ClinVar variation 1004022 (VCV001004022.9), dbSNP rs1941672276, ClinGen allele CA381182753.